The following is an entry in ClinVar:

NM_001378454.1(ALMS1):c.7812C>G (p.Phe2604Leu)

Gene: ALMS1 (ALMS1 centrosome and basal body associated protein; plus strand). Cytogenetic location: 2p13.1.
Variant type: single nucleotide variant.
Coding change: c.7812C>G on transcript NM_001378454.1 (MANE Select); coding-DNA position 7812, C replaced by G.
Protein change: p.Phe2604Leu; replaces phenylalanine 2604 with leucine.
Molecular consequence: missense variant.
Genome position (GRCh38, 1-based): chr2:73,489,771, C>G. VCF-style: chr2-73489771-C-G. GRCh37 (hg19) VCF-style: chr2-73716898-C-G.
Other names: c.7815C>G, p.Phe2605Leu (NM_015120.4); short protein forms F2605L, F2604L.
Identifiers: ClinVar variation 554111 (VCV000554111.16), dbSNP rs201739856, ClinGen allele CA1714353.

ClinVar aggregate classification (germline): Uncertain significance. Review status: criteria provided, multiple submitters, no conflicts (2 of 4 stars). 6 submissions from 6 submitters: Uncertain significance (4). 2 of the submissions do not count toward it. Last evaluated 2026-02-04.

Conditions:
Cardiovascular phenotype. Identifiers: MedGen CN230736.
Alstrom syndrome (ALMS). Identifiers: Orphanet 64, MedGen C0268425, MONDO:0008763, OMIM 203800.

Allele frequency attached by ClinVar (database versions not stated): ExAC 0.00002; gnomAD 0.00004; gnomAD exomes 0.00004; TOPMed 0.00005; ESP Exome Variant Server 0.00016.
gnomAD v4.1: 56 of 1,614,040 alleles (0.0035%); highest among the groups gnomAD compares: Non-Finnish European, 0.0042%; no homozygotes.

Submissions (6):

GeneDx
Classification: Uncertain significance. Last evaluated: 2026-02-04. Review status: criteria provided, single submitter. Criteria: GeneDx Variant Classification Process June 2021. Collection method: clinical testing. Allele origin: germline. Affected: yes.
Comment: Not observed at significant frequency in large population cohorts (gnomAD); In silico analysis supports that this missense variant has a deleterious effect on protein structure/function; Has not been previously published as pathogenic or benign to our knowledge

Ambry Genetics
Classification: Uncertain significance for Cardiovascular phenotype. Last evaluated: 2023-06-05. Review status: criteria provided, single submitter. Criteria: Ambry Variant Classification Scheme 2023. Collection method: clinical testing. Allele origin: germline.
Comment: The p.F2605L variant (also known as c.7815C>G), located in coding exon 10 of the ALMS1 gene, results from a C to G substitution at nucleotide position 7815. The phenylalanine at codon 2605 is replaced by leucine, an amino acid with highly similar properties. This amino acid position is well conserved in available vertebrate species. In addition, this alteration is predicted to be tolerated by in silico analysis. Since supporting evidence is limited at this time, the clinical significance of this alteration remains unclear.

Labcorp Genetics (formerly Invitae), Labcorp
Classification: Uncertain significance for Alstrom syndrome. Last evaluated: 2022-09-03. Review status: criteria provided, single submitter. Criteria: Invitae Variant Classification Sherloc (09022015). Collection method: clinical testing. Allele origin: germline.
Comment: This sequence change replaces phenylalanine, which is neutral and non-polar, with leucine, which is neutral and non-polar, at codon 2605 of the ALMS1 protein (p.Phe2605Leu). This variant is present in population databases (rs201739856, gnomAD 0.008%). This variant has not been reported in the literature in individuals affected with ALMS1-related conditions. ClinVar contains an entry for this variant (Variation ID: 554111). Experimental studies and prediction algorithms are not available or were not evaluated, and the functional significance of this variant is currently unknown. In summary, the available evidence is currently insufficient to determine the role of this variant in disease. Therefore, it has been classified as a Variant of Uncertain Significance.

Fulgent Genetics
Classification: Uncertain significance for Alstrom syndrome. Last evaluated: 2021-09-29. Review status: criteria provided, single submitter. Criteria: ACMG Guidelines, 2015. Collection method: clinical testing. Allele origin: unknown.

Natera, Inc.
Classification: Uncertain significance for Alstrom syndrome. Last evaluated: 2021-07-07. Review status: no assertion criteria provided. Collection method: clinical testing. Allele origin: germline. Not counted in ClinVar's aggregate classification.

Counsyl
Classification: Uncertain significance for Alstrom syndrome. Last evaluated: 2017-09-26. Review status: no assertion criteria provided. Collection method: clinical testing. Allele origin: unknown. Not counted in ClinVar's aggregate classification.